The following is an entry in ClinVar:

NM_019023.5(PRMT7):c.535A>G (p.Thr179Ala)

Gene: PRMT7 (protein arginine methyltransferase 7; plus strand). Cytogenetic location: 16q22.1.
Variant type: single nucleotide variant.
Coding change: c.535A>G on transcript NM_019023.5 (MANE Select); coding-DNA position 535, A replaced by G.
Protein change: p.Thr179Ala; replaces threonine 179 with alanine.
Molecular consequence: missense variant. On other transcripts: non-coding transcript variant (12).
Genome position (GRCh38, 1-based): chr16:68,339,352, A>G. VCF-style: chr16-68339352-A-G. GRCh37 (hg19) VCF-style: chr16-68373255-A-G.
Other names: c.385A>G, p.Thr129Ala (NM_001184824.4); c.535A>G, p.Thr179Ala (NM_001290018.2, NM_001351143.3, NM_001351144.3 and 1 more transcripts); c.328A>G, p.Thr110Ala (NM_001378020.1); c.298A>G, p.Thr100Ala (NM_001378021.1, NM_001378022.1, NM_001378023.1); short protein forms T100A, T179A, T110A, T129A.
Identifiers: ClinVar variation 1938293 (VCV001938293.4), dbSNP rs1479285422, ClinGen allele CA396433522.
Genomic context (GRCh38, chr16:68,339,352, plus strand): 5'-TGTTTGGTTTTGTTTTTAATATAAACTTAGGAAAATTGTGAGGCCGTGCCCCACAGAGCC[A>G]CCGTCTATGCACAGCTGGTGGAGTCCGGGAGGATGTGGTCGTGGAACAAGCTATTTCCCA-3'
Protein context (NP_061896.1, residues 169-189): ENCEAVPHRA[Thr179Ala]VYAQLVESGR

ClinVar aggregate classification (germline): Uncertain significance (1 of 4 stars; one submission).

Allele frequency attached by ClinVar (database versions not stated): gnomAD exomes below 0.00001; TOPMed below 0.00001; gnomAD 0.00001.
gnomAD v4.1: 4 of 1,614,076 alleles (0.00025%); highest among the groups gnomAD compares: Admixed American, 0.0033%; no homozygotes.

Submission:

Labcorp Genetics (formerly Invitae), Labcorp
Classification: Uncertain significance. Last evaluated: 2023-08-29. Review status: criteria provided, single submitter. Criteria: Invitae Variant Classification Sherloc (09022015). Collection method: clinical testing. Allele origin: germline.
Comment: This sequence change replaces threonine, which is neutral and polar, with alanine, which is neutral and non-polar, at codon 179 of the PRMT7 protein (p.Thr179Ala). In summary, the available evidence is currently insufficient to determine the role of this variant in disease. Therefore, it has been classified as a Variant of Uncertain Significance. Advanced modeling of protein sequence and biophysical properties (such as structural, functional, and spatial information, amino acid conservation, physicochemical variation, residue mobility, and thermodynamic stability) performed at Invitae indicates that this missense variant is expected to disrupt PRMT7 protein function. ClinVar contains an entry for this variant (Variation ID: 1938293). This variant has not been reported in the literature in individuals affected with PRMT7-related conditions. This variant is not present in population databases (gnomAD no frequency).